The following is an entry in ClinVar:

ClinVar aggregate classification (germline): Uncertain significance (1 of 4 stars; one submission).

Conditions:
Chédiak-Higashi syndrome (CHS). Also called: Chediak-Higashi Syndrome. Identifiers: Orphanet 167, MedGen C0007965, MONDO:0008963, OMIM 214500.

Allele frequency attached by ClinVar (database versions not stated): gnomAD 0.00001; gnomAD exomes 0.00001; TOPMed 0.00001.
gnomAD v4.1: 19 of 1,613,674 alleles (0.0012%); highest among the groups gnomAD compares: East Asian, 0.0045%; no homozygotes.

Submission:

Labcorp Genetics (formerly Invitae), Labcorp
Classification: Uncertain significance for Chédiak-Higashi syndrome. Last evaluated: 2025-12-01. Review status: criteria provided, single submitter. Criteria: Invitae Variant Classification Sherloc (09022015). Collection method: clinical testing. Allele origin: germline.
Comment: This sequence change replaces valine, which is neutral and non-polar, with isoleucine, which is neutral and non-polar, at codon 754 of the LYST protein (p.Val754Ile). This variant is present in population databases (no rsID available, gnomAD 0.003%). This variant has not been reported in the literature in individuals affected with LYST-related conditions. ClinVar contains an entry for this variant (Variation ID: 1001641). Invitae Evidence Modeling of protein sequence and biophysical properties (such as structural, functional, and spatial information, amino acid conservation, physicochemical variation, residue mobility, and thermodynamic stability) indicates that this missense variant is not expected to disrupt LYST protein function with a negative predictive value of 80%. In summary, the available evidence is currently insufficient to determine the role of this variant in disease. Therefore, it has been classified as a Variant of Uncertain Significance.

NM_000081.4(LYST):c.2260G>A (p.Val754Ile)

Gene: LYST (lysosomal trafficking regulator; minus strand). Cytogenetic location: 1q42.3.
Variant type: single nucleotide variant.
Coding change: c.2260G>A on transcript NM_000081.4 (MANE Select); coding-DNA position 2260, G replaced by A.
Protein change: p.Val754Ile; replaces valine 754 with isoleucine.
Molecular consequence: missense variant.
Genome position (GRCh38, 1-based): chr1:235,808,558, C>T on the plus strand (G>A on the coding strand, the complement: LYST is on the minus strand). VCF-style: chr1-235808558-C-T. GRCh37 (hg19) VCF-style: chr1-235971858-C-T.
Other names: c.2260G>A, p.Val754Ile (NM_001301365.1); short protein forms V754I.
Identifiers: ClinVar variation 1001641 (VCV001001641.7), dbSNP rs971416672, ClinGen allele CA39617789.